The following is an entry in ClinVar:

NM_000548.5(TSC2):c.4850-8A>G

Gene: TSC2 (TSC complex subunit 2; plus strand). Cytogenetic location: 16p13.3.
Variant type: single nucleotide variant.
Coding change: c.4850-8A>G on transcript NM_000548.5 (MANE Select); 8 bases into the intron before coding-DNA position 4850, A replaced by G.
Molecular consequence: intron variant.
Genome position (GRCh38, 1-based): chr16:2,086,724, A>G. VCF-style: chr16-2086724-A-G. GRCh37 (hg19) VCF-style: chr16-2136725-A-G.
Other names: c.4781-8A>G (NM_001114382.3); c.4721-8A>G (NM_021055.3, NM_001370405.1); c.4652-8A>G (NM_001363528.2); c.4718-8A>G (NM_001370404.1); c.4649-8A>G (NM_001077183.3); c.4541-8A>G (NM_001318827.2); c.4118-8A>G (NM_001318831.2); c.4505-8A>G (NM_001318829.2); and 1 more.
Identifiers: ClinVar variation 536101 (VCV000536101.15), dbSNP rs372258482, ClinGen allele CA052920.

ClinVar aggregate classification (germline): Benign/Likely benign. Review status: criteria provided, multiple submitters, no conflicts (2 of 4 stars). 5 submissions from 5 submitters: Benign (2); Likely benign (3). Last evaluated 2026-02-02.

Conditions:
Tuberous sclerosis syndrome (TSC). Also called: Tuberous Sclerosis Complex; Tuberous sclerosis. Identifiers: Orphanet 805, MedGen C0041341, MONDO:0001734.
Tuberous sclerosis 2 (TSC2). Identifiers: Orphanet 805, MedGen C1860707, MONDO:0013199, OMIM 613254.

Allele frequency attached by ClinVar (database versions not stated): gnomAD 0.00001; gnomAD exomes 0.00001; ExAC 0.00002; TOPMed 0.00002; ESP Exome Variant Server 0.00008.
gnomAD v4.1: 5 of 1,609,268 alleles (0.00031%); highest among the groups gnomAD compares: African/African-American, 0.0053%; no homozygotes.

Submissions (5):

Labcorp Genetics (formerly Invitae), Labcorp
Classification: Likely benign for Tuberous sclerosis 2. Last evaluated: 2026-02-02. Review status: criteria provided, single submitter. Criteria: Invitae Variant Classification Sherloc (09022015). Collection method: clinical testing. Allele origin: germline.

Myriad Genetics, Inc.
Classification: Benign for Tuberous sclerosis 2. Last evaluated: 2024-09-05. Review status: criteria provided, single submitter. Criteria: Myriad Autosomal Dominant, Autosomal Recessive and X-Linked Classification Criteria (2023). Collection method: clinical testing. Allele origin: unknown.
Comment: This variant is considered benign. This variant is intronic and is not expected to impact mRNA splicing. This variant has been observed at a population frequency that is significantly greater than expected given the associated disease prevalence and penetrance.

Color Diagnostics, LLC DBA Color Health
Classification: Likely benign for Tuberous sclerosis syndrome. Last evaluated: 2023-01-11. Review status: criteria provided, single submitter. Criteria: ACMG Guidelines, 2015. Collection method: clinical testing. Allele origin: germline.

Genome-Nilou Lab
Classification: Benign for Tuberous sclerosis 2. Last evaluated: 2021-11-07. Review status: criteria provided, single submitter. Criteria: ACMG Guidelines, 2015. Collection method: clinical testing. Allele origin: germline. Affected: no.

GeneDx
Classification: Likely benign. Last evaluated: 2018-04-20. Review status: criteria provided, single submitter. Criteria: GeneDx Variant Classification (06012015). Collection method: clinical testing. Allele origin: germline. Affected: yes.
Comment: This variant is considered likely benign or benign based on one or more of the following criteria: it is a conservative change, it occurs at a poorly conserved position in the protein, it is predicted to be benign by multiple in silico algorithms, and/or has population frequency not consistent with disease.